The following is an entry in ClinVar:

NM_004519.4(KCNQ3):c.478-3C>A

Gene: KCNQ3 (potassium voltage-gated channel subfamily Q member 3; minus strand). Cytogenetic location: 8q24.22.
Variant type: single nucleotide variant.
Coding change: c.478-3C>A on transcript NM_004519.4 (MANE Select); 3 bases into the intron before coding-DNA position 478, C replaced by A.
Molecular consequence: intron variant.
Genome position (GRCh38, 1-based): chr8:132,184,370, G>T on the plus strand (C>A on the coding strand, the complement: KCNQ3 is on the minus strand). VCF-style: chr8-132184370-G-T. GRCh37 (hg19) VCF-style: chr8-133196617-G-T.
Other names: c.118-3C>A (NM_001204824.2).
Identifiers: ClinVar variation 1956928 (VCV001956928.5), dbSNP rs2536959772, ClinGen allele CA2580078591.

ClinVar aggregate classification (germline): Uncertain significance (1 of 4 stars; one submission).

Conditions:
Benign neonatal seizures. Also called: Benign neonatal familial convulsions; Benign familial neonatal epilepsy; Benign familial neonatal seizures; Convulsions benign familial neonatal dominant form; Autosomal dominant form of benign neonatal seizures. Identifiers: Orphanet 1949, MedGen C0220669, MONDO:0016027.

Allele frequency attached by ClinVar (database versions not stated): gnomAD exomes below 0.00001.
gnomAD v4.1: 3 of 1,613,960 alleles (0.00019%); highest among the groups gnomAD compares: Admixed American, 0.0017%; no homozygotes.

Submission:

Labcorp Genetics (formerly Invitae), Labcorp
Classification: Uncertain significance for Benign neonatal seizures. Last evaluated: 2024-10-24. Review status: criteria provided, single submitter. Criteria: Invitae Variant Classification Sherloc (09022015). Collection method: clinical testing. Allele origin: germline.
Comment: This sequence change falls in intron 2 of the KCNQ3 gene. It does not directly change the encoded amino acid sequence of the KCNQ3 protein. It affects a nucleotide within the consensus splice site. This variant is not present in population databases (gnomAD no frequency). This variant has not been reported in the literature in individuals affected with KCNQ3-related conditions. ClinVar contains an entry for this variant (Variation ID: 1956928). Variants that disrupt the consensus splice site are a relatively common cause of aberrant splicing (PMID: 17576681, 9536098). Algorithms developed to predict the effect of sequence changes on RNA splicing suggest that this variant may disrupt the consensus splice site. In summary, the available evidence is currently insufficient to determine the role of this variant in disease. Therefore, it has been classified as a Variant of Uncertain Significance.

Literature cited by the submitters: PubMed 17576681; PubMed 9536098.